The following is an entry in ClinVar:

ClinVar aggregate classification (germline): Uncertain significance (1 of 4 stars; one submission).

Submission:

Labcorp Genetics (formerly Invitae), Labcorp
Classification: Uncertain significance. Last evaluated: 2024-02-23. Review status: criteria provided, single submitter. Criteria: Invitae Variant Classification Sherloc (09022015). Collection method: clinical testing. Allele origin: germline.
Comment: This variant results in the deletion of part of exon 24 (c.3154-24_3159del) of the FUK gene. It affects a nucleotide within the consensus splice site. This variant is not present in population databases (gnomAD no frequency). This variant has not been reported in the literature in individuals affected with FUK-related conditions. ClinVar contains an entry for this variant (Variation ID: 1920525). Variants that disrupt the consensus splice site are a relatively common cause of aberrant splicing (PMID: 17576681, 9536098). In summary, the available evidence is currently insufficient to determine the role of this variant in disease. Therefore, it has been classified as a Variant of Uncertain Significance.

Literature cited by the submitters: PubMed 17576681; PubMed 9536098.

NM_145059.3(FCSK):c.3154-24_3159del

Gene: FCSK (fucose kinase; plus strand). Cytogenetic location: 16q22.1.
Variant type: Deletion.
Coding change: c.3154-24_3159del on transcript NM_145059.3 (MANE Select); 24 bases into the intron before coding-DNA position 3154 through coding-DNA position 3159, 30 bases deleted (CTAAATACTTCCTGTCTTGTCCAGGGCCTT).
Molecular consequence: splice acceptor variant.
Genome position (GRCh38, 1-based): chr16:70,479,555-70,479,584, CTAAATACTTCCTGTCTTGTCCAGGGCCTT deleted; deleting any 30 consecutive bases within chr16:70,479,550-70,479,584 gives the same sequence; the c. name uses the placement nearest the transcript's 3' end. VCF-style (leftmost placement, unchanged base first): chr16-70479549-AGCCTTCTAAATACTTCCTGTCTTGTCCAGG-A. GRCh37 (hg19) VCF-style: chr16-70513452-AGCCTTCTAAATACTTCCTGTCTTGTCCAGG-A.
Identifiers: ClinVar variation 1920525 (VCV001920525.5), dbSNP rs2507456452, ClinGen allele CA2580091903.